The following is an entry in ClinVar:

NM_176787.5(PIGN):c.923-6T>G

Gene: PIGN (phosphatidylinositol glycan anchor biosynthesis class N; minus strand). Cytogenetic location: 18q21.33.
Variant type: single nucleotide variant.
Coding change: c.923-6T>G on transcript NM_176787.5 (MANE Select); 6 bases into the intron before coding-DNA position 923, T replaced by G.
Molecular consequence: intron variant.
Genome position (GRCh38, 1-based): chr18:62,143,352, A>C on the plus strand (T>G on the coding strand, the complement: PIGN is on the minus strand). VCF-style: chr18-62143352-A-C. GRCh37 (hg19) VCF-style: chr18-59810585-A-C.
Other names: c.923-6T>G (NM_012327.6).
Identifiers: ClinVar variation 1064600 (VCV001064600.3), dbSNP rs2147221657, ClinGen allele CA915940365.
Genomic context (GRCh38, chr18:62,143,352, plus strand): 5'-ATCGAACTGGATACCTGATTGACATCTAGCCTCTTCCAATTCTCCAATCTCCACTCTGAA[A>C]GATACAATCAGACACAAGATCTGATGTTAAGATTTAAAAAAGAATAAATCATTTGATTTT-3'

ClinVar aggregate classification (germline): Likely pathogenic (1 of 4 stars; one submission).

Conditions:
Multiple congenital anomalies-hypotonia-seizures syndrome 1 (MCAHS1). Also called: GLYCOSYLPHOSPHATIDYLINOSITOL BIOSYNTHESIS DEFECT 3; PIGN-CDG; Congenital disorder of glycosylation due to PIGN deficiency. Identifiers: Orphanet 280633, MedGen C3279775, MONDO:0013563, OMIM 614080.

Submission:

Kids Neuroscience Centre, Sydney Children's Hospitals Network
Classification: Likely pathogenic for Multiple congenital anomalies-hypotonia-seizures syndrome 1. Review status: criteria provided, single submitter. Criteria: Bournazos AM et al. (Genet Med 2021). Collection method: clinical testing, provider interpretation. Allele origin: inherited, unknown. Inheritance: Autosomal recessive inheritance. Affected: yes and no. Observed: 2 heterozygotes, 1 homozygote.
Comment: The c.923-6T>G variant results in three detected abnormal splicing events: (1) Exon-11 skipping (p.Glu308Glyfs*2), (2) Exon-11 and exon-12 skipping (p.Glu308Glyfs*9), (3) Use of a cryptic 3’-splice site (p.Glu308Asnfs*19). All abnormal splicing events detected induce a frameshift and premature termination codon. All abnormally spliced PIGN transcripts are predicted to be targeted for nonsense-mediated decay. Any PIGN transcripts escaping nonsense-mediated decay encode PIGN proteins lacking a GPI ethanolamine phosphate transferase 1 domain and are therefore likely to be dysfunctional/non-functional.